The following is an entry in ClinVar:

NM_004006.3(DMD):c.5910C>G (p.Asn1970Lys)

Gene: DMD (dystrophin; minus strand). Cytogenetic location: Xp21.1.
Variant type: single nucleotide variant.
Coding change: c.5910C>G on transcript NM_004006.3 (MANE Select); coding-DNA position 5910, C replaced by G.
Protein change: p.Asn1970Lys; replaces asparagine 1970 with lysine.
Molecular consequence: missense variant.
Genome position (GRCh38, 1-based): chrX:32,342,112, G>C on the plus strand (C>G on the coding strand, the complement: DMD is on the minus strand). VCF-style: chrX-32342112-G-C. GRCh37 (hg19) VCF-style: chrX-32360229-G-C.
Other names: c.5886C>G, p.Asn1962Lys (NM_000109.4); c.5898C>G, p.Asn1966Lys (NM_004009.3); c.5541C>G, p.Asn1847Lys (NM_004010.3); c.1887C>G, p.Asn629Lys (NM_004011.4); c.1878C>G, p.Asn626Lys (NM_004012.4); short protein forms N1970K, N1966K, N626K, N629K, N1847K, N1962K.
Identifiers: ClinVar variation 1750455 (VCV001750455.5), dbSNP rs1462393364, ClinGen allele CA412664689.

ClinVar aggregate classification (germline): Conflicting classifications of pathogenicity. Review status: criteria provided, conflicting classifications (1 of 4 stars). 2 submissions from 2 submitters: Uncertain significance (1); Likely benign (1). Last evaluated 2025-07-27.

Conditions:
Duchenne muscular dystrophy (DMD). Also called: MUSCULAR DYSTROPHY, PSEUDOHYPERTROPHIC PROGRESSIVE, DUCHENNE TYPE; Duchenne Muscular Dystrophy (DMD). Identifiers: Orphanet 98896, MedGen C0013264, MONDO:0010679, OMIM 310200.
Cardiovascular phenotype. Identifiers: MedGen CN230736.

Allele frequency attached by ClinVar (database versions not stated): TOPMed 0.00002.

Submissions (2):

Labcorp Genetics (formerly Invitae), Labcorp
Classification: Uncertain significance for Duchenne muscular dystrophy. Last evaluated: 2025-07-27. Review status: criteria provided, single submitter. Criteria: Invitae Variant Classification Sherloc (09022015). Collection method: clinical testing. Allele origin: germline.
Comment: This sequence change replaces asparagine, which is neutral and polar, with lysine, which is basic and polar, at codon 1970 of the DMD protein (p.Asn1970Lys). This variant is not present in population databases (gnomAD no frequency). This variant has not been reported in the literature in individuals affected with DMD-related conditions. ClinVar contains an entry for this variant (Variation ID: 1750455). Invitae Evidence Modeling of protein sequence and biophysical properties (such as structural, functional, and spatial information, amino acid conservation, physicochemical variation, residue mobility, and thermodynamic stability) indicates that this missense variant is not expected to disrupt DMD protein function with a negative predictive value of 95%. In summary, the available evidence is currently insufficient to determine the role of this variant in disease. Therefore, it has been classified as a Variant of Uncertain Significance.

Ambry Genetics
Classification: Likely benign for Cardiovascular phenotype. Last evaluated: 2024-12-13. Review status: criteria provided, single submitter. Criteria: Ambry Variant Classification Scheme 2023. Collection method: clinical testing. Allele origin: germline.